The following is an entry in ClinVar:

ClinVar aggregate classification (germline): Uncertain significance (1 of 4 stars; one submission).

Conditions:
Inborn genetic diseases. Identifiers: MedGen C0950123, MeSH D030342.

Submission:

Ambry Genetics
Classification: Uncertain significance for Inborn genetic diseases. Last evaluated: 2025-09-18. Review status: criteria provided, single submitter. Criteria: Ambry Variant Classification Scheme 2023. Collection method: clinical testing. Allele origin: germline.
Comment: The p.A118S variant (also known as c.352G>T), located in coding exon 4 of the FANCA gene, results from a G to T substitution at nucleotide position 352. The alanine at codon 118 is replaced by serine, an amino acid with similar properties. This amino acid position is conserved. In addition, this alteration is predicted to be tolerated by in silico analysis. Based on the available evidence, the clinical significance of this variant remains unclear.

NM_000135.4(FANCA):c.352G>T (p.Ala118Ser)

Gene: FANCA (FA complementation group A; minus strand). Cytogenetic location: 16q24.3.
Variant type: single nucleotide variant.
Coding change: c.352G>T on transcript NM_000135.4 (MANE Select); coding-DNA position 352, G replaced by T.
Protein change: p.Ala118Ser; replaces alanine 118 with serine.
Molecular consequence: missense variant.
Genome position (GRCh38, 1-based): chr16:89,811,003, C>A on the plus strand (G>T on the coding strand, the complement: FANCA is on the minus strand). VCF-style: chr16-89811003-C-A. GRCh37 (hg19) VCF-style: chr16-89877411-C-A.
Other names: c.352G>T, p.Ala118Ser (NM_001018112.3, NM_001286167.3, NM_001351830.2); short protein forms A118S.
Identifiers: ClinVar variation 4619150 (VCV004619150.1).